The following is an entry in ClinVar:

NM_004104.5(FASN):c.5051C>T (p.Ala1684Val)

Gene: FASN (fatty acid synthase; minus strand). Cytogenetic location: 17q25.3.
Variant type: single nucleotide variant.
Coding change: c.5051C>T on transcript NM_004104.5 (MANE Select); coding-DNA position 5051, C replaced by T.
Protein change: p.Ala1684Val; replaces alanine 1684 with valine.
Molecular consequence: missense variant.
Genome position (GRCh38, 1-based): chr17:82,084,022, G>A on the plus strand (C>T on the coding strand, the complement: FASN is on the minus strand). VCF-style: chr17-82084022-G-A. GRCh37 (hg19) VCF-style: chr17-80041898-G-A.
Other names: short protein forms A1684V.
Identifiers: ClinVar variation 1421092 (VCV001421092.8), dbSNP rs2034041068, ClinGen allele CA401541133.

ClinVar aggregate classification (germline): Uncertain significance (1 of 4 stars; one submission).

Conditions:
Epileptic encephalopathy. Identifiers: MedGen C0543888, HP:0200134.

Allele frequency attached by ClinVar (database versions not stated): TOPMed 0.00001.

Submission:

Labcorp Genetics (formerly Invitae), Labcorp
Classification: Uncertain significance for Epileptic encephalopathy. Last evaluated: 2024-10-16. Review status: criteria provided, single submitter. Criteria: Invitae Variant Classification Sherloc (09022015). Collection method: clinical testing. Allele origin: germline.
Comment: This sequence change replaces alanine, which is neutral and non-polar, with valine, which is neutral and non-polar, at codon 1684 of the FASN protein (p.Ala1684Val). This variant is not present in population databases (gnomAD no frequency). This variant has not been reported in the literature in individuals affected with FASN-related conditions. ClinVar contains an entry for this variant (Variation ID: 1421092). An algorithm developed to predict the effect of missense changes on protein structure and function (PolyPhen-2) suggests that this variant is likely to be disruptive. In summary, the available evidence is currently insufficient to determine the role of this variant in disease. Therefore, it has been classified as a Variant of Uncertain Significance.